The following is an entry in ClinVar:

ClinVar aggregate classification (germline): Uncertain significance (1 of 4 stars; one submission).

gnomAD v4.1: 1 of 1,209,608 alleles (0.000083%); highest among the groups gnomAD compares: Non-Finnish European, 0.00011%; no homozygotes.

Submission:

Labcorp Genetics (formerly Invitae), Labcorp
Classification: Uncertain significance. Last evaluated: 2024-04-18. Review status: criteria provided, single submitter. Criteria: Invitae Variant Classification Sherloc (09022015). Collection method: clinical testing. Allele origin: germline.
Comment: This sequence change replaces serine, which is neutral and polar, with asparagine, which is neutral and polar, at codon 649 of the USP9X protein (p.Ser649Asn). This variant is present in population databases (no rsID available, gnomAD 0.001%), including at least one homozygous and/or hemizygous individual. This variant has not been reported in the literature in individuals affected with USP9X-related conditions. An algorithm developed to predict the effect of missense changes on protein structure and function (PolyPhen-2) suggests that this variant is likely to be tolerated. In summary, the available evidence is currently insufficient to determine the role of this variant in disease. Therefore, it has been classified as a Variant of Uncertain Significance.

NM_001039591.3(USP9X):c.1946G>A (p.Ser649Asn)

Gene: USP9X (ubiquitin specific peptidase 9 X-linked; plus strand). Cytogenetic location: Xp11.4.
Variant type: single nucleotide variant.
Coding change: c.1946G>A on transcript NM_001039591.3 (MANE Select); coding-DNA position 1946, G replaced by A.
Protein change: p.Ser649Asn; replaces serine 649 with asparagine.
Molecular consequence: missense variant.
Genome position (GRCh38, 1-based): chrX:41,162,838, G>A. VCF-style: chrX-41162838-G-A. GRCh37 (hg19) VCF-style: chrX-41022091-G-A.
Other names: c.1946G>A, p.Ser649Asn (NM_001039590.3); c.1961G>A, p.Ser654Asn (NM_001410748.1, NM_001410749.1); short protein forms S649N, S654N.
Identifiers: ClinVar variation 3616259 (VCV003616259.2).